The following is an entry in ClinVar:

NM_006904.7(PRKDC):c.11670G>C (p.Met3890Ile)

Gene: PRKDC (protein kinase, DNA-activated, catalytic subunit; minus strand). Cytogenetic location: 8q11.21.
Variant type: single nucleotide variant.
Coding change: c.11670G>C on transcript NM_006904.7 (MANE Select); coding-DNA position 11670, G replaced by C.
Protein change: p.Met3890Ile; replaces methionine 3890 with isoleucine.
Molecular consequence: missense variant.
Genome position (GRCh38, 1-based): chr8:47,778,642, C>G on the plus strand (G>C on the coding strand, the complement: PRKDC is on the minus strand). VCF-style: chr8-47778642-C-G. GRCh37 (hg19) VCF-style: chr8-48691203-C-G.
Other names: c.11577G>C, p.Met3859Ile (NM_001081640.2); short protein forms M3890I, M3859I.
Identifiers: ClinVar variation 2104837 (VCV002104837.1), dbSNP rs745682197, ClinGen allele CA371128820.

ClinVar aggregate classification (germline): Uncertain significance (1 of 4 stars; one submission).

Conditions:
Severe combined immunodeficiency due to DNA-PKcs deficiency. Also called: IMMUNODEFICIENCY 26 WITH NEUROLOGIC ABNORMALITIES; Immunodeficiency 26 with or without neurologic abnormalities. Identifiers: Orphanet 317425, MedGen C4014833, MONDO:0014423, OMIM 615966.

Submission:

Labcorp Genetics (formerly Invitae), Labcorp
Classification: Uncertain significance for Severe combined immunodeficiency due to DNA-PKcs deficiency. Last evaluated: 2022-02-28. Review status: criteria provided, single submitter. Criteria: Invitae Variant Classification Sherloc (09022015). Collection method: clinical testing. Allele origin: germline.
Comment: This sequence change replaces methionine, which is neutral and non-polar, with isoleucine, which is neutral and non-polar, at codon 3890 of the PRKDC protein (p.Met3890Ile). This variant is not present in population databases (gnomAD no frequency). This variant has not been reported in the literature in individuals affected with PRKDC-related conditions. Experimental studies and prediction algorithms are not available or were not evaluated, and the functional significance of this variant is currently unknown. In summary, the available evidence is currently insufficient to determine the role of this variant in disease. Therefore, it has been classified as a Variant of Uncertain Significance.